The following is an entry in ClinVar:

ClinVar aggregate classification (germline): Uncertain significance. Review status: criteria provided, multiple submitters, no conflicts (2 of 4 stars). 4 submissions from 4 submitters: Uncertain significance (4). Last evaluated 2025-08-06.

Conditions:
Hereditary nonpolyposis colorectal neoplasms. Identifiers: MedGen C0009405, MeSH D003123.
Hereditary cancer-predisposing syndrome. Also called: Tumor predisposition; Hereditary Cancer Syndrome; Hereditary neoplastic syndrome; Neoplastic Syndromes, Hereditary. Identifiers: Orphanet 140162, MedGen C0027672, MeSH D009386, MONDO:0015356.
Lynch syndrome 4 (LYNCH4). Also called: Colorectal cancer, hereditary nonpolyposis, type 4; Hereditary non-polyposis colorectal cancer, type 4. Identifiers: Orphanet 144, MedGen C1838333, MONDO:0013699, OMIM 614337. Disease mechanism: loss of function.

gnomAD v4.1: 9 of 1,612,576 alleles (0.00056%); highest among the groups gnomAD compares: Non-Finnish European, 0.00076%; no homozygotes.

Submissions (4):

Labcorp Genetics (formerly Invitae), Labcorp
Classification: Uncertain significance for Hereditary nonpolyposis colorectal neoplasms. Last evaluated: 2025-08-06. Review status: criteria provided, single submitter. Criteria: Invitae Variant Classification Sherloc (09022015). Collection method: clinical testing. Allele origin: germline.
Comment: This sequence change replaces alanine, which is neutral and non-polar, with valine, which is neutral and non-polar, at codon 4 of the PMS2 protein (p.Ala4Val). This variant is present in population databases (no rsID available, gnomAD 0.0009%). This variant has not been reported in the literature in individuals affected with PMS2-related conditions. ClinVar contains an entry for this variant (Variation ID: 486928). Invitae Evidence Modeling incorporating data from in vitro experimental studies (internal data) indicates that this missense variant is not expected to disrupt PMS2 function with a negative predictive value of 95%. In summary, the available evidence is currently insufficient to determine the role of this variant in disease. Therefore, it has been classified as a Variant of Uncertain Significance.

Baylor Genetics
Classification: Uncertain significance for Lynch syndrome 4. Last evaluated: 2024-02-14. Review status: criteria provided, single submitter. Criteria: ACMG Guidelines, 2015. Collection method: clinical testing. Allele origin: unknown.

Ambry Genetics
Classification: Uncertain significance for Hereditary cancer-predisposing syndrome. Last evaluated: 2024-01-09. Review status: criteria provided, single submitter. Criteria: Ambry Variant Classification Scheme 2023. Collection method: clinical testing. Allele origin: germline.
Comment: The p.A4V variant (also known as c.11C>T), located in coding exon 1 of the PMS2 gene, results from a C to T substitution at nucleotide position 11. The alanine at codon 4 is replaced by valine, an amino acid with similar properties. This amino acid position is not well conserved in available vertebrate species. In addition, the in silico prediction for this alteration is inconclusive. Since supporting evidence is limited at this time, the clinical significance of this alteration remains unclear.

Color Diagnostics, LLC DBA Color Health
Classification: Uncertain significance for Hereditary cancer-predisposing syndrome. Last evaluated: 2023-05-09. Review status: criteria provided, single submitter. Criteria: ACMG Guidelines, 2015. Collection method: clinical testing. Allele origin: germline.
Comment: This missense variant replaces alanine with valine at codon 4 of the PMS2 protein. Computational prediction is inconclusive regarding the impact of this variant on protein structure and function (internally defined REVEL score threshold 0.5 < inconclusive < 0.7, PMID: 27666373). To our knowledge, functional studies have not been reported for this variant. This variant has not been reported in individuals affected with PMS2-related disorders in the literature. This variant has been identified in 1/250258 chromosomes in the general population by the Genome Aggregation Database (gnomAD). The available evidence is insufficient to determine the role of this variant in disease conclusively. Therefore, this variant is classified as a Variant of Uncertain Significance.

NM_000535.7(PMS2):c.11C>T (p.Ala4Val)

Gene: PMS2 (PMS1 homolog 2, mismatch repair system component; minus strand). Cytogenetic location: 7p22.1.
Variant type: single nucleotide variant.
Coding change: c.11C>T on transcript NM_000535.7 (MANE Select); coding-DNA position 11, C replaced by T.
Protein change: p.Ala4Val; replaces alanine 4 with valine.
Molecular consequence: missense variant. On other transcripts: 5 prime UTR variant (11), non-coding transcript variant (1).
Genome position (GRCh38, 1-based): chr7:6,009,009, G>A on the plus strand (C>T on the coding strand, the complement: PMS2 is on the minus strand). VCF-style: chr7-6009009-G-A. GRCh37 (hg19) VCF-style: chr7-6048640-G-A.
Other names: c.-585C>T (NM_001322005.2); c.11C>T, p.Ala4Val (NM_001322006.2, NM_001322014.2); c.-205C>T (NM_001322007.2); c.-390C>T (NM_001322003.2, NM_001322013.2); c.-255C>T (NM_001322004.2, NM_001322010.2); c.-65C>T (NM_001322008.2); c.-580C>T (NM_001322009.2); c.-874C>T (NM_001322011.2); and 2 more; short protein forms A4V.
Identifiers: ClinVar variation 486928 (VCV000486928.21), dbSNP rs745361721, ClinGen allele CA366745239.